The following is an entry in ClinVar:

NM_012472.6(DNAAF11):c.974+1G>T

Gene: DNAAF11 (dynein axonemal assembly factor 11; minus strand). Cytogenetic location: 8q24.22.
Variant type: single nucleotide variant.
Coding change: c.974+1G>T on transcript NM_012472.6 (MANE Select); the canonical splice donor site of the intron after coding-DNA position 974, G replaced by T.
Molecular consequence: splice donor variant. On other transcripts: intron variant (2).
Genome position (GRCh38, 1-based): chr8:132,615,037, C>A on the plus strand (G>T on the coding strand, the complement: DNAAF11 is on the minus strand). VCF-style: chr8-132615037-C-A. GRCh37 (hg19) VCF-style: chr8-133627283-C-A.
Other names: c.728+1G>T (NM_001321962.2); c.915-3674G>T (NM_001321961.2); c.555-3674G>T (NM_001321966.2); c.614+1G>T (NM_001321963.2, NM_001321964.2, NM_001321965.2).
Identifiers: ClinVar variation 2149443 (VCV002149443.4), dbSNP rs2537813639, ClinGen allele CA372293485.
Genomic context (GRCh38, chr8:132,615,037, plus strand): 5'-TACTACTGAGAATGAAAACAGACAGAAATGTCATAAATAAATACGTAGAAAATGTCTTTA[C>A]CTATAGACAGCAAGGTCCAGGATGATCTGCTTTTCGTTATCTTTCAAAGAGAAGTCAATT-3'

ClinVar aggregate classification (germline): Pathogenic (1 of 4 stars; one submission).

Conditions:
Primary ciliary dyskinesia 19. Also called: CILIARY DYSKINESIA, PRIMARY, 19, WITH OR WITHOUT SITUS INVERSUS. Identifiers: Orphanet 244, MedGen C3543826, MONDO:0013979, OMIM 614935.

Submission:

Labcorp Genetics (formerly Invitae), Labcorp
Classification: Pathogenic for Primary ciliary dyskinesia 19. Last evaluated: 2025-02-03. Review status: criteria provided, single submitter. Criteria: Invitae Variant Classification Sherloc (09022015). Collection method: clinical testing. Allele origin: germline.
Comment: This sequence change affects a donor splice site in intron 8 of the LRRC6 gene. It is expected to disrupt RNA splicing. Variants that disrupt the donor or acceptor splice site typically lead to a loss of protein function (PMID: 16199547), and loss-of-function variants in LRRC6 are known to be pathogenic (PMID: 23122589). This variant is not present in population databases (gnomAD no frequency). Disruption of this splice site has been observed in individual(s) with primary ciliary dyskinesia (PMID: 31650533). ClinVar contains an entry for this variant (Variation ID: 2149443). Algorithms developed to predict the effect of sequence changes on RNA splicing suggest that this variant may disrupt the consensus splice site. For these reasons, this variant has been classified as Pathogenic.

Literature cited by the submitters: PubMed 16199547; PubMed 23122589; PubMed 31650533.